The following is an entry in ClinVar:

NM_000092.5(COL4A4):c.1250G>A (p.Gly417Glu)

Gene: COL4A4 (collagen type IV alpha 4 chain; minus strand). Cytogenetic location: 2q36.3.
Variant type: single nucleotide variant.
Coding change: c.1250G>A on transcript NM_000092.5 (MANE Select); coding-DNA position 1250, G replaced by A.
Protein change: p.Gly417Glu; replaces glycine 417 with glutamic acid.
Molecular consequence: missense variant.
Genome position (GRCh38, 1-based): chr2:227,094,244, C>T on the plus strand (G>A on the coding strand, the complement: COL4A4 is on the minus strand). VCF-style: chr2-227094244-C-T. GRCh37 (hg19) VCF-style: chr2-227958960-C-T.
Other names: short protein forms G417E.
Identifiers: ClinVar variation 3769393 (VCV003769393.3).

ClinVar aggregate classification (germline): Uncertain significance. Review status: criteria provided, single submitter (1 of 4 stars). 2 submissions from 2 submitters: Uncertain significance (1). 1 of the submissions does not count toward it. Last evaluated 2025-01-31.

Conditions:
Alport syndrome. Also called: Hemorrhagic familial nephritis; Hemorrhagic hereditary nephritis; Congenital hereditary hematuria. Identifiers: Orphanet 63, MedGen C1567741, MONDO:0018965.

gnomAD v4.1: 6 of 1,613,796 alleles (0.00037%); highest among the groups gnomAD compares: Non-Finnish European, 0.00051%; no homozygotes.

Submissions (2):

Women's Health and Genetics/Laboratory Corporation of America, LabCorp
Classification: Uncertain significance. Last evaluated: 2025-01-31. Review status: criteria provided, single submitter. Criteria: LabCorp Variant Classification Summary - May 2015. Collection method: clinical testing. Allele origin: germline.
Comment: Variant summary: COL4A4 c.1250G>A (p.Gly417Glu) results in a non-conservative amino acid change located in the Collagen triple helix repeat (20 copies) domain (IPR008160) of the encoded protein sequence. Five of five in-silico tools predict a damaging effect of the variant on protein function. The variant was absent in 248964 control chromosomes. These data indicate that the variant may be associated with COL4A4-related disorders. To our knowledge, no experimental evidence demonstrating an impact on protein function has been reported. The following publications have been ascertained in the context of this evaluation (PMID: 38972501, 34483311). No submitters have cited clinical-significance assessments for this variant to ClinVar. Based on the evidence outlined above, the variant was classified as VUS-possibly pathogenic for COL4A4-related disorders.

Natera, Inc.
Classification: Likely pathogenic for Alport syndrome. Last evaluated: 2025-02-03. Review status: no assertion criteria provided. Collection method: clinical testing. Allele origin: germline. Not counted in ClinVar's aggregate classification.

Literature cited by the submitters: PubMed 38972501 (cited by Women's Health and Genetics/Laboratory Corporation of America, LabCorp); PubMed 34483311 (cited by Women's Health and Genetics/Laboratory Corporation of America, LabCorp).